The following is an entry in ClinVar:

NM_003738.5(PTCH2):c.1629G>A (p.Met543Ile)

Gene: PTCH2 (patched 2; minus strand). Cytogenetic location: 1p34.1.
Variant type: single nucleotide variant.
Coding change: c.1629G>A on transcript NM_003738.5 (MANE Select); coding-DNA position 1629, G replaced by A.
Protein change: p.Met543Ile; replaces methionine 543 with isoleucine.
Molecular consequence: missense variant.
Genome position (GRCh38, 1-based): chr1:44,828,376, C>T on the plus strand (G>A on the coding strand, the complement: PTCH2 is on the minus strand). VCF-style: chr1-44828376-C-T. GRCh37 (hg19) VCF-style: chr1-45294048-C-T.
Other names: c.1629G>A, p.Met543Ile (NM_001166292.2); short protein forms M543I.
Identifiers: ClinVar variation 3689898 (VCV003689898.2).

ClinVar aggregate classification (germline): Uncertain significance (1 of 4 stars; one submission).

Conditions:
Gorlin syndrome. Also called: Basal cell nevus syndrome; Nevoid Basal Cell Carcinoma Syndrome. Identifiers: Orphanet 377, MedGen C0004779, MONDO:0007187.

gnomAD v4.1: 2 of 1,614,182 alleles (0.00012%); highest among the groups gnomAD compares: Non-Finnish European, 0.000085%; no homozygotes.

Submission:

Labcorp Genetics (formerly Invitae), Labcorp
Classification: Uncertain significance for Gorlin syndrome. Last evaluated: 2024-11-26. Review status: criteria provided, single submitter. Criteria: Invitae Variant Classification Sherloc (09022015). Collection method: clinical testing. Allele origin: germline.
Comment: This sequence change replaces methionine, which is neutral and non-polar, with isoleucine, which is neutral and non-polar, at codon 543 of the PTCH2 protein (p.Met543Ile). This variant is not present in population databases (gnomAD no frequency). This variant has not been reported in the literature in individuals affected with PTCH2-related conditions. Invitae Evidence Modeling of protein sequence and biophysical properties (such as structural, functional, and spatial information, amino acid conservation, physicochemical variation, residue mobility, and thermodynamic stability) indicates that this missense variant is not expected to disrupt PTCH2 protein function with a negative predictive value of 80%. In summary, the available evidence is currently insufficient to determine the role of this variant in disease. Therefore, it has been classified as a Variant of Uncertain Significance.